The following is an entry in ClinVar:

ClinVar aggregate classification (germline): Likely benign. Review status: criteria provided, multiple submitters, no conflicts (2 of 4 stars). 3 submissions from 3 submitters: Likely benign (2). 1 of the submissions does not count toward it. Last evaluated 2026-01-26.

Conditions:
TUBGCP6-related disorder. Also called: TUBGCP6-related condition.

Allele frequency attached by ClinVar (database versions not stated): 1000 Genomes Project 0.00020; 1000 Genomes Project 30x 0.00031; gnomAD exomes 0.00066; ExAC 0.00070; ESP Exome Variant Server 0.00077; gnomAD 0.00077; TOPMed 0.00095.

Submissions (3):

Labcorp Genetics (formerly Invitae), Labcorp
Classification: Likely benign. Last evaluated: 2026-01-26. Review status: criteria provided, single submitter. Criteria: Invitae Variant Classification Sherloc (09022015). Collection method: clinical testing. Allele origin: germline.

Blueprint Genetics
Classification: Likely benign. Last evaluated: 2024-10-11. Review status: criteria provided, single submitter. Criteria: ACMG Guidelines, 2015. Collection method: clinical testing. Allele origin: germline.

PreventionGenetics, part of Exact Sciences
Classification: Likely benign for TUBGCP6-related condition. Last evaluated: 2024-08-23. Review status: no assertion criteria provided. Collection method: clinical testing. Allele origin: germline. Not counted in ClinVar's aggregate classification.
Comment: This variant is classified as likely benign based on ACMG/AMP sequence variant interpretation guidelines (Richards et al. 2015 PMID: 25741868, with internal and published modifications).

NM_020461.4(TUBGCP6):c.4863G>A (p.Val1621=)

Gene: TUBGCP6 (tubulin gamma complex component 6; minus strand). Cytogenetic location: 22q13.33.
Variant type: single nucleotide variant.
Coding change: c.4863G>A on transcript NM_020461.4 (MANE Select); coding-DNA position 4863, G replaced by A.
Protein change: p.Val1621=; no amino-acid change (valine 1621 retained).
Molecular consequence: synonymous variant.
Genome position (GRCh38, 1-based): chr22:50,218,579, C>T on the plus strand (G>A on the coding strand, the complement: TUBGCP6 is on the minus strand). VCF-style: chr22-50218579-C-T. GRCh37 (hg19) VCF-style: chr22-50657008-C-T.
Identifiers: ClinVar variation 728526 (VCV000728526.14), dbSNP rs111335098, ClinGen allele CA10307294.